The following is an entry in ClinVar:

ClinVar aggregate classification (germline): Uncertain significance (1 of 4 stars; one submission).

Conditions:
Cowden syndrome 6 (CWS6). Identifiers: Orphanet 201, MedGen C3554519, MONDO:0014048, OMIM 615109.

gnomAD v4.1: 1 of 1,613,534 alleles (0.000062%); no homozygotes.

Submission:

Labcorp Genetics (formerly Invitae), Labcorp
Classification: Uncertain significance for Cowden syndrome 6. Last evaluated: 2022-08-13. Review status: criteria provided, single submitter. Criteria: Invitae Variant Classification Sherloc (09022015). Collection method: clinical testing. Allele origin: germline.
Comment: In summary, the available evidence is currently insufficient to determine the role of this variant in disease. Therefore, it has been classified as a Variant of Uncertain Significance. This variant has not been reported in the literature in individuals affected with AKT1-related conditions. Algorithms developed to predict the effect of missense changes on protein structure and function output the following: SIFT: "Tolerated"; PolyPhen-2: "Probably Damaging"; Align-GVGD: "Class C0". The histidine amino acid residue is found in multiple mammalian species, which suggests that this missense change does not adversely affect protein function. This variant is present in population databases (no rsID available, gnomAD no frequency). This sequence change replaces glutamine, which is neutral and polar, with histidine, which is basic and polar, at codon 47 of the AKT1 protein (p.Gln47His).

NM_001382430.1(AKT1):c.141A>T (p.Gln47His)

Gene: AKT1 (AKT serine/threonine kinase 1; minus strand). Cytogenetic location: 14q32.33.
Variant type: single nucleotide variant.
Coding change: c.141A>T on transcript NM_001382430.1 (MANE Select); coding-DNA position 141, A replaced by T.
Protein change: p.Gln47His; replaces glutamine 47 with histidine.
Molecular consequence: missense variant.
Genome position (GRCh38, 1-based): chr14:104,780,122, T>A on the plus strand (A>T on the coding strand, the complement: AKT1 is on the minus strand). VCF-style: chr14-104780122-T-A. GRCh37 (hg19) VCF-style: chr14-105246459-T-A.
Other names: c.141A>T, p.Gln47His (NM_001014431.2, NM_001014432.2, NM_001382431.1 and 3 more transcripts); short protein forms Q47H.
Identifiers: ClinVar variation 2200088 (VCV002200088.4), dbSNP rs532268608, ClinGen allele CA391221516.